The following is an entry in ClinVar:

NM_001129.5(AEBP1):c.995_996delinsAG (p.Thr332Lys)

Gene: AEBP1 (AE binding protein 1; plus strand). Cytogenetic location: 7p13.
Variant type: Indel.
Coding change: c.995_996delinsAG on transcript NM_001129.5 (MANE Select); coding-DNA positions 995 to 996, CA replaced by AG.
Protein change: p.Thr332Lys; replaces threonine 332 with lysine.
Molecular consequence: missense variant.
Genome position (GRCh38, 1-based): chr7:44,108,953-44,108,954, CA replaced by AG. VCF-style: chr7-44108953-CA-AG. GRCh37 (hg19) VCF-style: chr7-44148552-CA-AG.
Other names: short protein forms T332K.
Identifiers: ClinVar variation 1325999 (VCV001325999.4), dbSNP rs2128808488, ClinGen allele CA2573052878.

ClinVar aggregate classification (germline): Uncertain significance. Review status: criteria provided, multiple submitters, no conflicts (2 of 4 stars). 2 submissions from 2 submitters: Uncertain significance (2). Last evaluated 2022-04-19.

Submissions (2):

Labcorp Genetics (formerly Invitae), Labcorp
Classification: Uncertain significance. Last evaluated: 2022-04-19. Review status: criteria provided, single submitter. Criteria: Invitae Variant Classification Sherloc (09022015). Collection method: clinical testing. Allele origin: germline.
Comment: This sequence change replaces threonine, which is neutral and polar, with lysine, which is basic and polar, at codon 332 of the AEBP1 protein (p.Thr332Lys). The frequency data for this variant in the population databases is considered unreliable, as metrics indicate poor data quality at this position in the gnomAD database. This variant has not been reported in the literature in individuals affected with AEBP1-related conditions. ClinVar contains an entry for this variant (Variation ID: 1325999). Algorithms developed to predict the effect of missense changes on protein structure and function are either unavailable or do not agree on the potential impact of this missense change (SIFT: "Not Available"; PolyPhen-2: "Possibly Damaging"; Align-GVGD: "Not Available"). In summary, the available evidence is currently insufficient to determine the role of this variant in disease. Therefore, it has been classified as a Variant of Uncertain Significance.

GeneDx
Classification: Uncertain significance. Last evaluated: 2021-05-18. Review status: criteria provided, single submitter. Criteria: GeneDx Variant Classification Process June 2021. Collection method: clinical testing. Allele origin: germline. Affected: yes.
Comment: Not observed in large population cohorts (Lek et al., 2016); In silico analysis supports that this variant does not alter protein structure/function; Has not been previously published as pathogenic or benign to our knowledge